The following is an entry in ClinVar:

ClinVar aggregate classification (germline): Uncertain significance (1 of 4 stars; one submission).

Conditions:
Inborn genetic diseases. Identifiers: MedGen C0950123, MeSH D030342.

Submission:

Ambry Genetics
Classification: Uncertain significance for Inborn genetic diseases. Last evaluated: 2021-06-28. Review status: criteria provided, single submitter. Criteria: Ambry Variant Classification Scheme 2023. Collection method: clinical testing. Allele origin: germline.
Comment: The c.401A>C (p.N134T) alteration is located in exon 6 (coding exon 6) of the STX1B gene. This alteration results from a A to C substitution at nucleotide position 401, causing the asparagine (N) at amino acid position 134 to be replaced by a threonine (T). The p.N134T alteration is predicted to be tolerated by in silico analysis. Based on insufficient or conflicting evidence, the clinical significance of this alteration remains unclear.

NM_052874.5(STX1B):c.401A>C (p.Asn134Thr)

Gene: STX1B (syntaxin 1B; minus strand). Cytogenetic location: 16p11.2.
Variant type: single nucleotide variant.
Coding change: c.401A>C on transcript NM_052874.5 (MANE Select); coding-DNA position 401, A replaced by C.
Protein change: p.Asn134Thr; replaces asparagine 134 with threonine.
Molecular consequence: missense variant.
Genome position (GRCh38, 1-based): chr16:30,997,013, T>G on the plus strand (A>C on the coding strand, the complement: STX1B is on the minus strand). VCF-style: chr16-30997013-T-G. GRCh37 (hg19) VCF-style: chr16-31008334-T-G.
Other names: short protein forms N134T.
Identifiers: ClinVar variation 2408445 (VCV002408445.2), dbSNP rs2543959934, ClinGen allele CA395649132.